The following is an entry in ClinVar:

NM_003036.4(SKI):c.845G>A (p.Arg282Gln)

Gene: SKI (SKI proto-oncogene; plus strand). Cytogenetic location: 1p36.33.
Variant type: single nucleotide variant.
Coding change: c.845G>A on transcript NM_003036.4 (MANE Select); coding-DNA position 845, G replaced by A.
Protein change: p.Arg282Gln; replaces arginine 282 with glutamine.
Molecular consequence: missense variant.
Genome position (GRCh38, 1-based): chr1:2,229,611, G>A. VCF-style: chr1-2229611-G-A. GRCh37 (hg19) VCF-style: chr1-2161050-G-A.
Other names: short protein forms R282Q.
Identifiers: ClinVar variation 393089 (VCV000393089.3), dbSNP rs1057524781, ClinGen allele CA16603501.
Genomic context (GRCh38, chr1:2,229,611, plus strand): 5'-ACTCGCACAAGGCCCTGGAGAACCGGACCTGCCACTGGGGCTTCGACTCGGCCAACTGGC[G>A]GGCCTACATCCTGCTGAGCCAGGATTACACGGGCAAGGAGGAGCAGGCGCGCCTCGGCCG-3'
Protein context (NP_003027.1, residues 272-292): CHWGFDSANW[Arg282Gln]AYILLSQDYT

ClinVar aggregate classification (germline): Uncertain significance (1 of 4 stars; one submission).

Submission:

GeneDx
Classification: Uncertain significance. Last evaluated: 2024-09-29. Review status: criteria provided, single submitter. Criteria: GeneDx Variant Classification Process June 2021. Collection method: clinical testing. Allele origin: germline. Affected: yes.
Comment: Not observed at significant frequency in large population cohorts (gnomAD); In silico analysis indicates that this missense variant does not alter protein structure/function; Has not been previously published as pathogenic or benign to our knowledge